The following is an entry in ClinVar:

NM_006514.4(SCN10A):c.5291T>C (p.Leu1764Pro)

Gene: SCN10A (sodium voltage-gated channel alpha subunit 10; minus strand). Cytogenetic location: 3p22.2.
Variant type: single nucleotide variant.
Coding change: c.5291T>C on transcript NM_006514.4 (MANE Select); coding-DNA position 5291, T replaced by C.
Protein change: p.Leu1764Pro; replaces leucine 1764 with proline.
Molecular consequence: missense variant.
Genome position (GRCh38, 1-based): chr3:38,697,929, A>G on the plus strand (T>C on the coding strand, the complement: SCN10A is on the minus strand). VCF-style: chr3-38697929-A-G. GRCh37 (hg19) VCF-style: chr3-38739420-A-G.
Other names: c.5288T>C, p.Leu1763Pro (NM_001293306.2); c.4997T>C, p.Leu1666Pro (NM_001293307.2); short protein forms L1666P, L1763P, L1764P.
Identifiers: ClinVar variation 3438126 (VCV003438126.3).

ClinVar aggregate classification (germline): Uncertain significance. Review status: criteria provided, multiple submitters, no conflicts (2 of 4 stars). 2 submissions from 2 submitters: Uncertain significance (2). Last evaluated 2025-12-01.

Conditions:
Cardiovascular phenotype. Identifiers: MedGen CN230736.
Brugada syndrome. Also called: Sudden unexpected nocturnal death syndrome; Sudden unexplained nocturnal death syndrome; Sudden Unexplained Death Syndrome; Sudden Unexplained Nocturnal Death Syndrome (SUNDS). Identifiers: Orphanet 130, MedGen C1142166, MONDO:0015263.

gnomAD v4.1: 4 of 1,614,118 alleles (0.00025%); highest among the groups gnomAD compares: Non-Finnish European, 0.00034%; no homozygotes.

Submissions (2):

Labcorp Genetics (formerly Invitae), Labcorp
Classification: Uncertain significance for Brugada syndrome. Last evaluated: 2025-12-01. Review status: criteria provided, single submitter. Criteria: Invitae Variant Classification Sherloc (09022015). Collection method: clinical testing. Allele origin: germline.
Comment: This sequence change replaces leucine, which is neutral and non-polar, with proline, which is neutral and non-polar, at codon 1764 of the SCN10A protein (p.Leu1764Pro). This variant is present in population databases (rs760775128, gnomAD 0.0009%). This variant has not been reported in the literature in individuals affected with SCN10A-related conditions. ClinVar contains an entry for this variant (Variation ID: 3438126). Invitae Evidence Modeling of protein sequence and biophysical properties (such as structural, functional, and spatial information, amino acid conservation, physicochemical variation, residue mobility, and thermodynamic stability) indicates that this missense variant is expected to disrupt SCN10A protein function with a positive predictive value of 80%. In summary, the available evidence is currently insufficient to determine the role of this variant in disease. Therefore, it has been classified as a Variant of Uncertain Significance.

Ambry Genetics
Classification: Uncertain significance for Cardiovascular phenotype. Last evaluated: 2024-10-08. Review status: criteria provided, single submitter. Criteria: Ambry Variant Classification Scheme 2023. Collection method: clinical testing. Allele origin: germline.
Comment: The p.L1764P variant (also known as c.5291T>C), located in coding exon 27 of the SCN10A gene, results from a T to C substitution at nucleotide position 5291. The leucine at codon 1764 is replaced by proline, an amino acid with similar properties. This amino acid position is conserved. In addition, this alteration is predicted to be deleterious by in silico analysis. Based on the available evidence, the clinical significance of this variant remains unclear.